The following is an entry in ClinVar:

NM_000334.4(SCN4A):c.703+1G>T

Gene: SCN4A (sodium voltage-gated channel alpha subunit 4; minus strand). Cytogenetic location: 17q23.3.
Variant type: single nucleotide variant.
Coding change: c.703+1G>T on transcript NM_000334.4 (MANE Select); the canonical splice donor site of the intron after coding-DNA position 703, G replaced by T.
Molecular consequence: splice donor variant.
Genome position (GRCh38, 1-based): chr17:63,971,161, C>A on the plus strand (G>T on the coding strand, the complement: SCN4A is on the minus strand). VCF-style: chr17-63971161-C-A. GRCh37 (hg19) VCF-style: chr17-62048521-C-A.
Identifiers: ClinVar variation 931433 (VCV000931433.3), dbSNP rs1909596551, ClinGen allele CA400638193.

ClinVar aggregate classification (germline): Pathogenic (1 of 4 stars; one submission).

Conditions:
Hyperkalemic periodic paralysis. Also called: Familial hyperkalemic periodic paralysis; Gamstorp disease. Identifiers: Orphanet 682, MedGen C0238357, MONDO:0008224, OMIM 170500, HP:0007215.

Submission:

Centre for Mendelian Genomics, University Medical Centre Ljubljana
Classification: Pathogenic for Hyperkalemic periodic paralysis. Last evaluated: 2016-01-01. Review status: criteria provided, single submitter. Criteria: ACMG Guidelines, 2015. Collection method: clinical testing. Allele origin: unknown. Affected: yes.
Comment: This variant was classified as: Pathogenic. The following ACMG criteria were applied in classifying this variant: PVS1,PM2,PP4. This variant was detected in homozygous state.